The following is an entry in ClinVar:

NM_000368.5(TSC1):c.681G>C (p.Val227=)

Gene: TSC1 (TSC complex subunit 1; minus strand). Cytogenetic location: 9q34.13.
Variant type: single nucleotide variant.
Coding change: c.681G>C on transcript NM_000368.5 (MANE Select); coding-DNA position 681, G replaced by C.
Protein change: p.Val227=; no amino-acid change (valine 227 retained).
Molecular consequence: synonymous variant. On other transcripts: 5 prime UTR variant (1), non-coding transcript variant (5), intron variant (4).
Genome position (GRCh38, 1-based): chr9:132,921,419, C>G on the plus strand (G>C on the coding strand, the complement: TSC1 is on the minus strand). VCF-style: chr9-132921419-C-G. GRCh37 (hg19) VCF-style: chr9-135796806-C-G.
Other names: c.681G>C, p.Val227= (NM_001162426.2, NM_001406592.1, NM_001406593.1 and 16 more transcripts); c.528G>C, p.Val176= (NM_001162427.2, NM_001406610.1, NM_001406611.1 and 2 more transcripts); c.318G>C, p.Val106= (NM_001362177.2, NM_001406614.1, NM_001406615.1 and 10 more transcripts); c.-413G>C (NM_001406630.1); c.-215+400G>C (NM_001406627.1, NM_001406628.1, NM_001406626.1); c.-357+400G>C (NM_001406629.1).
Identifiers: ClinVar variation 3386151 (VCV003386151.2).
Genomic context (GRCh38, chr9:132,921,419, plus strand): 5'-ATACCTTCGAGGGTCCAGTTCATGGTCCTTGGATCCAGTCACTAATTCCGGATGAATTCG[C>G]ACATGCTCCATCATTGGCTAGAAGAGTTGGGTTGACAAATTATAAAGGGCTGAATGTTTG-3'
Protein context (NP_000359.1, residues 217-237): EEVVKPMMEH[Val227=]RIHPELVTGS

ClinVar aggregate classification (germline): Likely benign. Review status: criteria provided, multiple submitters, no conflicts (2 of 4 stars). 2 submissions from 2 submitters: Likely benign (2). Last evaluated 2025-08-24.

Conditions:
Tuberous sclerosis syndrome (TSC). Also called: Tuberous Sclerosis Complex; Tuberous sclerosis. Identifiers: Orphanet 805, MedGen C0041341, MONDO:0001734.
Tuberous sclerosis 1 (TSC1). Identifiers: Orphanet 805, MedGen C1854465, MONDO:0008612, OMIM 191100.

Submissions (2):

Labcorp Genetics (formerly Invitae), Labcorp
Classification: Likely benign for Tuberous sclerosis 1. Last evaluated: 2025-08-24. Review status: criteria provided, single submitter. Criteria: Invitae Variant Classification Sherloc (09022015). Collection method: clinical testing. Allele origin: germline.

All of Us Research Program, National Institutes of Health
Classification: Likely benign for Tuberous sclerosis syndrome. Last evaluated: 2024-04-16. Review status: criteria provided, single submitter. Criteria: ACMG Guidelines, 2015. Collection method: clinical testing. Allele origin: germline. Inheritance: Autosomal dominant inheritance. Observed: 1 variant allele, 1 heterozygote.
Comment: This study involves interpretation of variants in research participants for the purpose of population health screening. Participant phenotype was not available at the time of variant classification. Additional details can be found in publication PMID: 35346344, PMCID: PMC8962531